The following is an entry in ClinVar:

ClinVar aggregate classification (germline): Pathogenic (1 of 4 stars; one submission).

Submission:

Labcorp Genetics (formerly Invitae), Labcorp
Classification: Pathogenic. Last evaluated: 2025-03-16. Review status: criteria provided, single submitter. Criteria: Invitae Variant Classification Sherloc (09022015). Collection method: clinical testing. Allele origin: germline.
Comment: This sequence change creates a premature translational stop signal (p.Glu1578*) in the COL11A1 gene. It is expected to result in an absent or disrupted protein product. Loss-of-function variants in COL11A1 are known to be pathogenic (PMID: 20513134, 21035103, 23922384, 25240749, 32427345, 32756486). This variant is not present in population databases (gnomAD no frequency). This variant has not been reported in the literature in individuals affected with COL11A1-related conditions. For these reasons, this variant has been classified as Pathogenic.

Literature cited by the submitters: PubMed 20513134; PubMed 21035103; PubMed 23922384; PubMed 25240749; PubMed 32427345; PubMed 32756486.

NM_001854.4(COL11A1):c.4732G>T (p.Glu1578Ter)

Gene: COL11A1 (collagen type XI alpha 1 chain; minus strand). Cytogenetic location: 1p21.1.
Variant type: single nucleotide variant.
Coding change: c.4732G>T on transcript NM_001854.4 (MANE Select); coding-DNA position 4732, G replaced by T.
Protein change: p.Glu1578Ter; replaces glutamic acid 1578 with a stop codon.
Molecular consequence: nonsense. On other transcripts: non-coding transcript variant (1).
Genome position (GRCh38, 1-based): chr1:102,886,933, C>A on the plus strand (G>T on the coding strand, the complement: COL11A1 is on the minus strand). VCF-style: chr1-102886933-C-A. GRCh37 (hg19) VCF-style: chr1-103352489-C-A.
Other names: c.4615G>T, p.Glu1539Ter (NM_001190709.2); c.4768G>T, p.Glu1590Ter (NM_080629.3); c.4384G>T, p.Glu1462Ter (NM_080630.4); short protein forms E1462*, E1539*, E1578*, E1590*.
Identifiers: ClinVar variation 4715224 (VCV004715224.1).